The following is an entry in ClinVar:

ClinVar aggregate classification (germline): Likely pathogenic (0 of 4 stars; one submission).

Conditions:
PTCH1-related disorder. Also called: PTCH1-related disorders; PTCH1-related condition.

Submission:

PreventionGenetics, part of Exact Sciences
Classification: Likely pathogenic for PTCH1-related condition. Last evaluated: 2023-10-23. Review status: no assertion criteria provided. Collection method: clinical testing. Allele origin: germline.
Comment: The PTCH1 c.649delG variant is predicted to result in a frameshift and premature protein termination (p.Asp217Ilefs*3). To our knowledge, this variant has not been reported in the literature or in a large population database, indicating this variant is rare. Frameshift variants in PTCH1 are expected to be pathogenic. This variant is interpreted as likely pathogenic.

NM_000264.5(PTCH1):c.649del (p.Asp217fs)

Gene: PTCH1 (patched 1; minus strand). Cytogenetic location: 9q22.32.
Variant type: Deletion.
Coding change: c.649del on transcript NM_000264.5 (MANE Select); coding-DNA position 649, one base deleted (G; older notation c.649delG).
Protein change: p.Asp217fs; shifts the reading frame from aspartic acid 217.
Molecular consequence: frameshift variant. On other transcripts: non-coding transcript variant (1).
Genome position (GRCh38, 1-based): chr9:95,482,139, C deleted on the plus strand (G on the coding strand, the reverse complement: PTCH1 is on the minus strand); the first of 2 consecutive C bases (chr9:95,482,139-95,482,140); deleting either gives the same sequence. VCF-style (leftmost placement, unchanged base first): chr9-95482138-TC-T. GRCh37 (hg19) VCF-style: chr9-98244420-TC-T.
Other names: c.451del, p.Asp151fs (NM_001083602.3, NM_001354919.2); c.646del, p.Asp216fs (NM_001083603.3); c.196del, p.Asp66fs (NM_001083604.3, NM_001083605.3, NM_001083606.3 and 1 more transcripts); c.649del, p.Asp217fs (NM_001354918.2); c.649delG (NM_000264.3); short protein forms D151fs, D216fs, D217fs, D66fs.
Identifiers: ClinVar variation 3030495 (VCV003030495.2), dbSNP rs2538247234, ClinGen allele CA2740095535.
Genomic context (GRCh38, chr9:95,482,138, plus strand): 5'-AAGGCACACTACTGGGGTGTTCCTGAGAAATTTTTGCCAACAAGAAGAAAATATACCTGA[TC>T]CATGTAACCTGTTTCTGTGATAAGCTCTCCTGATTTGTAACACAAATGTTCCAATTTCCA-3'